The following is an entry in ClinVar:

NM_000264.5(PTCH1):c.1384T>G (p.Cys462Gly)

Gene: PTCH1 (patched 1; minus strand). Cytogenetic location: 9q22.32.
Variant type: single nucleotide variant.
Coding change: c.1384T>G on transcript NM_000264.5 (MANE Select); coding-DNA position 1384, T replaced by G.
Protein change: p.Cys462Gly; replaces cysteine 462 with glycine.
Molecular consequence: missense variant. On other transcripts: non-coding transcript variant (1), intron variant (1).
Genome position (GRCh38, 1-based): chr9:95,477,666, A>C on the plus strand (T>G on the coding strand, the complement: PTCH1 is on the minus strand). VCF-style: chr9-95477666-A-C. GRCh37 (hg19) VCF-style: chr9-98239948-A-C.
Other names: c.1186T>G, p.Cys396Gly (NM_001083602.3); c.1381T>G, p.Cys461Gly (NM_001083603.3); c.931T>G, p.Cys311Gly (NM_001083604.3, NM_001083605.3, NM_001083606.3 and 1 more transcripts); c.1347+389T>G (NM_001354918.2); short protein forms C461G, C396G, C462G, C311G.
Identifiers: ClinVar variation 2135321 (VCV002135321.2), dbSNP rs1588600865, ClinGen allele CA374118608.

ClinVar aggregate classification (germline): Uncertain significance (1 of 4 stars; one submission).

Conditions:
Gorlin syndrome. Also called: Basal cell nevus syndrome; Nevoid Basal Cell Carcinoma Syndrome. Identifiers: Orphanet 377, MedGen C0004779, MONDO:0007187.

Submission:

Labcorp Genetics (formerly Invitae), Labcorp
Classification: Uncertain significance for Gorlin syndrome. Last evaluated: 2025-12-24. Review status: criteria provided, single submitter. Criteria: Invitae Variant Classification Sherloc (09022015). Collection method: clinical testing. Allele origin: germline.
Comment: This sequence change replaces cysteine, which is neutral and slightly polar, with glycine, which is neutral and non-polar, at codon 462 of the PTCH1 protein (p.Cys462Gly). This variant is not present in population databases (gnomAD no frequency). This variant has not been reported in the literature in individuals affected with PTCH1-related conditions. ClinVar contains an entry for this variant (Variation ID: 2135321). Invitae Evidence Modeling of protein sequence and biophysical properties (such as structural, functional, and spatial information, amino acid conservation, physicochemical variation, residue mobility, and thermodynamic stability) indicates that this missense variant is not expected to disrupt PTCH1 protein function with a negative predictive value of 95%. In summary, the available evidence is currently insufficient to determine the role of this variant in disease. Therefore, it has been classified as a Variant of Uncertain Significance.